The following is an entry in ClinVar:

ClinVar aggregate classification (germline): Conflicting classifications of pathogenicity. Review status: criteria provided, conflicting classifications (1 of 4 stars). 4 submissions from 4 submitters: Uncertain significance (1); Likely benign (3). Last evaluated 2025-07-08.

Conditions:
Episodic ataxia type 2 (EA2). Also called: ACETAZOLAMIDE-RESPONSIVE HEREDITARY PAROXYSMAL CEREBELLAR ATAXIA; ATAXIA, EPISODIC, WITH NYSTAGMUS; ATAXIA, FAMILIAL PAROXYSMAL; CEREBELLAR ATAXIA, PAROXYSMAL, ACETAZOLAMIDE-RESPONSIVE; CEREBELLOPATHY, HEREDITARY PAROXYSMAL; EPISODIC ATAXIA, NYSTAGMUS-ASSOCIATED. Identifiers: Orphanet 97, MedGen C1720416, MONDO:0007163, OMIM 108500.
Developmental and epileptic encephalopathy, 42 (DEE42A). Also called: DEVELOPMENTAL AND EPILEPTIC ENCEPHALOPATHY 42A; EPILEPTIC ENCEPHALOPATHY, EARLY INFANTILE, 42A; Epileptic encephalopathy, early infantile, 42. Identifiers: MedGen C4310716, MONDO:0014917, OMIM 617106.

Allele frequency attached by ClinVar (database versions not stated): gnomAD 0.00004; TOPMed 0.00004; gnomAD exomes 0.00005 and 0.00034; ExAC 0.00006; ESP Exome Variant Server 0.00008; 1000 Genomes Project 30x 0.00016; 1000 Genomes Project 0.00020.
gnomAD v4.1: 491 of 1,613,896 alleles (0.03%); highest among the groups gnomAD compares: Non-Finnish European, 0.041%; 1 homozygote.

Submissions (4):

Labcorp Genetics (formerly Invitae), Labcorp
Classification: Likely benign for Developmental and epileptic encephalopathy, 42; Episodic ataxia type 2. Last evaluated: 2025-07-08. Review status: criteria provided, single submitter. Criteria: Invitae Variant Classification Sherloc (09022015). Collection method: clinical testing. Allele origin: germline.

Mayo Clinic Laboratories, Mayo Clinic
Classification: Likely benign. Last evaluated: 2025-05-07. Review status: criteria provided, single submitter. Criteria: ACMG Guidelines, 2015. Collection method: clinical testing. Allele origin: germline. Observed: 1 variant allele.
Comment: BP4, BP7

GeneDx
Classification: Likely benign. Last evaluated: 2020-04-02. Review status: criteria provided, single submitter. Criteria: GeneDx Variant Classification Process June 2021. Collection method: clinical testing. Allele origin: germline. Affected: yes.

Eurofins Ntd Llc (ga)
Classification: Uncertain significance. Last evaluated: 2016-11-22. Review status: criteria provided, single submitter. Criteria: EGL Classification Definitions 2015. Collection method: clinical testing. Allele origin: germline. Observed: 1 variant allele, 1 heterozygote.

NM_001127222.2(CACNA1A):c.5451C>T (p.Thr1817=)

Gene: CACNA1A (calcium voltage-gated channel subunit alpha1 A; minus strand). Cytogenetic location: 19p13.13.
Variant type: single nucleotide variant.
Coding change: c.5451C>T on transcript NM_001127222.2 (MANE Select); coding-DNA position 5451, C replaced by T.
Protein change: p.Thr1817=; no amino-acid change (threonine 1817 retained).
Molecular consequence: synonymous variant.
Genome position (GRCh38, 1-based): chr19:13,230,159, G>A on the plus strand (C>T on the coding strand, the complement: CACNA1A is on the minus strand). VCF-style: chr19-13230159-G-A. GRCh37 (hg19) VCF-style: chr19-13340973-G-A.
Other names: p.Thr1818=; c.5469C>T, p.Thr1823= (NM_000068.4, NM_023035.3); c.5454C>T, p.Thr1818= (NM_001127221.2); c.5460C>T, p.Thr1820= (NM_001174080.2).
Identifiers: ClinVar variation 497993 (VCV000497993.20), dbSNP rs188863534, ClinGen allele CA9239731.
Genomic context (GRCh38, chr19:13,230,159, plus strand): 5'-CTCGGCCCAGACACGCACGTACTCATCCAGGTGGTGGGGGCCCAGGATGGAGGAGTCTCG[G>A]GTGAGGTACTCAAAGTTGTCCATGATGACGGCGACAAAGAGATTCAGCATCTGTGGGGAC-3'
Protein context (NP_001120694.1, residues 1807-1827): AVIMDNFEYL[Thr1817=]RDSSILGPHH